The following is an entry in ClinVar:

ClinVar aggregate classification (germline): Pathogenic (0 of 4 stars; one submission).

Conditions:
X-linked severe combined immunodeficiency (SCIDX1). Also called: X-Linked Combined Immunodeficiency Diseases; IMMUNODEFICIENCY 4; SCID, X-LINKED; SEVERE COMBINED IMMUNODEFICIENCY, X-LINKED, T CELL-NEGATIVE, B CELL-POSITIVE, NK CELL-NEGATIVE; T-B+ severe combined immunodeficiency due to gamma chain deficiency. Identifiers: Orphanet 276, MedGen C6022468, MONDO:0010315, OMIM 300400. Disease mechanism: loss of function.

Submission:

Klein lab, Ludwig-Maximilians-University
Classification: Pathogenic for X-linked severe combined immunodeficiency. Last evaluated: 2019-02-14. Review status: no assertion criteria provided. Collection method: research. Allele origin: inherited. Inheritance: X-linked inheritance. Affected: yes. Observed: 2 variant alleles, 2 hemizygotes.
Comment: c.87delG mutation was reported in two brothers suffering from cryptosporidiosis, severe diarrhea, and cholangitis. Pan T, B, and NK cell numbers were normal, but immunophenotyping revealed defective B cell differentiation. Mutation results in normal surface expression of the IL-2RÎ³ chain. IL-4- and IL-21-induced phosphorylation of STAT3 and STAT6 was markedly reduced. Examination of RNA isoforms detected alternative splicing downstream of the IL2RG exon 1 in both patients resulting in resolution of the predicted frameshift and 16 mutated amino acids.

NM_000206.3(IL2RG):c.87del (p.Asn31fs)

Genes: IL2RG (interleukin 2 receptor subunit gamma; minus strand), LOC126863274 (MED14-independent group 3 enhancer GRCh37_chrX:70330888-70332087; plus strand). Cytogenetic location: Xq13.1.
Variant type: Deletion.
Coding change: c.87del on transcript NM_000206.3 (MANE Select); coding-DNA position 87, one base deleted (G; older notation c.87delG).
Protein change: p.Asn31fs; shifts the reading frame from asparagine 31.
Molecular consequence: frameshift variant.
Genome position (GRCh38, 1-based): chrX:71,111,453, C deleted on the plus strand (G on the coding strand, the reverse complement: IL2RG is on the minus strand). VCF-style (leftmost placement, unchanged base first): chrX-71111452-GC-G. GRCh37 (hg19) VCF-style: chrX-70331302-GC-G.
Other names: c.87delG (NM_000206.2); short protein forms N31fs.
Identifiers: ClinVar variation 619010 (VCV000619010.4), dbSNP rs1602289943, ClinGen allele CA915951164.